The following is an entry in ClinVar:

ClinVar aggregate classification (germline): Conflicting classifications of pathogenicity. Review status: criteria provided, conflicting classifications (1 of 4 stars). 5 submissions from 5 submitters: Uncertain significance (4); Likely benign (1). Last evaluated 2025-02-16.

Conditions:
Autosomal recessive nonsyndromic hearing loss 66 (DFNB66). Also called: Deafness, autosomal recessive 66. Identifiers: Orphanet 90636, MedGen C1857750, MONDO:0012442, OMIM 610212.
Isolated neonatal sclerosing cholangitis (NSC). Also called: Sclerosing cholangitis, neonatal. Identifiers: Orphanet 480556, MedGen C4479344, MONDO:0018816, OMIM 617394.
Nephronophthisis 19 (NPHP19). Identifiers: Orphanet 84081, MedGen C4015542, MONDO:0014537, OMIM 616217.
Inborn genetic diseases. Identifiers: MedGen C0950123, MeSH D030342.

Allele frequency attached by ClinVar (database versions not stated): TOPMed 0.00002; gnomAD 0.00005; gnomAD exomes 0.00011; ExAC 0.00015.
gnomAD v4.1: 100 of 1,604,646 alleles (0.0062%); highest among the groups gnomAD compares: Non-Finnish European, 0.0051%; no homozygotes.

Submissions (5):

Laboratory of Genetics, Children's Clinical University Hospital Latvia
Classification: Likely benign. Last evaluated: 2025-02-16. Review status: criteria provided, single submitter. Criteria: ACMG Guidelines, 2015. Collection method: clinical testing. Allele origin: germline. Affected: yes.

Labcorp Genetics (formerly Invitae), Labcorp
Classification: Uncertain significance for Autosomal recessive nonsyndromic hearing loss 66; Isolated neonatal sclerosing cholangitis. Last evaluated: 2024-06-26. Review status: criteria provided, single submitter. Criteria: Invitae Variant Classification Sherloc (09022015). Collection method: clinical testing. Allele origin: germline.
Comment: This sequence change replaces valine, which is neutral and non-polar, with isoleucine, which is neutral and non-polar, at codon 117 of the DCDC2 protein (p.Val117Ile). This variant is present in population databases (rs781510673, gnomAD 0.06%). This variant has not been reported in the literature in individuals affected with DCDC2-related conditions. ClinVar contains an entry for this variant (Variation ID: 838322). An algorithm developed to predict the effect of missense changes on protein structure and function (PolyPhen-2) suggests that this variant¬¨‚Ä†is likely to be tolerated. In summary, the available evidence is currently insufficient to determine the role of this variant in disease. Therefore, it has been classified as a Variant of Uncertain Significance.

Fulgent Genetics
Classification: Uncertain significance for Autosomal recessive nonsyndromic hearing loss 66; Nephronophthisis 19; Isolated neonatal sclerosing cholangitis. Last evaluated: 2024-05-30. Review status: criteria provided, single submitter. Criteria: ACMG Guidelines, 2015. Collection method: clinical testing. Allele origin: germline.

Ambry Genetics
Classification: Uncertain significance for Inborn genetic diseases. Last evaluated: 2022-04-08. Review status: criteria provided, single submitter. Criteria: Ambry Variant Classification Scheme 2023. Collection method: clinical testing. Allele origin: germline.

Blueprint Genetics
Classification: Uncertain significance. Last evaluated: 2022-01-12. Review status: criteria provided, single submitter. Criteria: ACMG Guidelines, 2015. Collection method: clinical testing. Allele origin: germline.

NM_016356.5(DCDC2):c.349G>A (p.Val117Ile)

Gene: DCDC2 (doublecortin domain containing 2; minus strand). Cytogenetic location: 6p22.3.
Variant type: single nucleotide variant.
Coding change: c.349G>A on transcript NM_016356.5 (MANE Select); coding-DNA position 349, G replaced by A.
Protein change: p.Val117Ile; replaces valine 117 with isoleucine.
Molecular consequence: missense variant.
Genome position (GRCh38, 1-based): chr6:24,302,044, C>T on the plus strand (G>A on the coding strand, the complement: DCDC2 is on the minus strand). VCF-style: chr6-24302044-C-T. GRCh37 (hg19) VCF-style: chr6-24302272-C-T.
Other names: c.349G>A, p.Val117Ile (NM_001195610.2); c.349G>A (NM_016356.3); short protein forms V117I.
Identifiers: ClinVar variation 838322 (VCV000838322.10), dbSNP rs781510673, ClinGen allele CA3654790.
Genomic context (GRCh38, chr6:24,302,044, plus strand): 5'-CCTGAAGCGGTTTTCTAAAGCGAGCTGACACGTTGATCCTGCTATGGATTACTGGTTTTA[C>T]CTTTAAAAGCAAAGGAAAAAAAATATAAACCACTAAGCTTATATTAGCTTTTTTTTTCCT-3'
Protein context (NP_057440.2, residues 107-127): KRPMEVVNTE[Val117Ile]KPVIHSRINV